The following is an entry in ClinVar:

NM_001005373.4(LRSAM1):c.2087G>T (p.Cys696Phe)

Gene: LRSAM1 (leucine rich repeat and sterile alpha motif containing 1; plus strand). Cytogenetic location: 9q34.11.
Variant type: single nucleotide variant.
Coding change: c.2087G>T on transcript NM_001005373.4 (MANE Select); coding-DNA position 2087, G replaced by T.
Protein change: p.Cys696Phe; replaces cysteine 696 with phenylalanine.
Molecular consequence: missense variant. On other transcripts: non-coding transcript variant (2).
Genome position (GRCh38, 1-based): chr9:127,502,814, G>T. VCF-style: chr9-127502814-G-T. GRCh37 (hg19) VCF-style: chr9-130265093-G-T.
Other names: c.2087G>T, p.Cys696Phe (NM_001005374.4, NM_001384142.1, NM_138361.5); c.2006G>T, p.Cys669Phe (NM_001190723.3); c.1988G>T, p.Cys663Phe (NM_001384143.1); c.1298G>T, p.Cys433Phe (NM_001384144.1); short protein forms C669F, C663F, C696F, C433F.
Identifiers: ClinVar variation 2695448 (VCV002695448.3), dbSNP rs1588144651, ClinGen allele CA374938741.

ClinVar aggregate classification (germline): Uncertain significance (1 of 4 stars; one submission).

Conditions:
Charcot-Marie-Tooth disease axonal type 2P. Also called: CHARCOT-MARIE-TOOTH DISEASE, AXONAL, TYPE 2G; CMT 2G; CHARCOT-MARIE-TOOTH NEUROPATHY, TYPE 2P; Charcot-Marie-Tooth Neuropathy Type 2G. Identifiers: Orphanet 300319, Orphanet 99941, MedGen C3280797, MONDO:0013753, OMIM 614436.

Submission:

Labcorp Genetics (formerly Invitae), Labcorp
Classification: Uncertain significance for Charcot-Marie-Tooth disease axonal type 2P. Last evaluated: 2023-11-13. Review status: criteria provided, single submitter. Criteria: Invitae Variant Classification Sherloc (09022015). Collection method: clinical testing. Allele origin: germline.
Comment: This sequence change replaces cysteine, which is neutral and slightly polar, with phenylalanine, which is neutral and non-polar, at codon 696 of the LRSAM1 protein (p.Cys696Phe). This variant is not present in population databases (gnomAD no frequency). This variant has not been reported in the literature in individuals affected with LRSAM1-related conditions. Advanced modeling of protein sequence and biophysical properties (such as structural, functional, and spatial information, amino acid conservation, physicochemical variation, residue mobility, and thermodynamic stability) performed at Invitae indicates that this missense variant is expected to disrupt LRSAM1 protein function with a positive predictive value of 80%. In summary, the available evidence is currently insufficient to determine the role of this variant in disease. Therefore, it has been classified as a Variant of Uncertain Significance.